The following is an entry in ClinVar:

ClinVar aggregate classification (germline): Uncertain significance (1 of 4 stars; one submission).

Submission:

Women's Health and Genetics/Laboratory Corporation of America, LabCorp
Classification: Uncertain significance. Last evaluated: 2026-06-19. Review status: criteria provided, single submitter. Criteria: LabCorp Variant Classification Summary - May 2015. Collection method: clinical testing. Allele origin: germline.
Comment: Variant summary: The variant involves the duplication of exons 49-63 in the ATM gene. A presumed nomenclature of c.(7089+1_7090-1)_(*3595_?)dup has been designated for the purposes of this classification. The exact breakpoint at the 3' end of this variant is unknown, therefore this duplication may extend downstream of the annotated region of the gene. As it duplicates the termination codon, its effect on the encoded protein is unknown. The variant was absent in 21680 control chromosomes. The available data on variant occurrences in the general population are insufficient to allow any conclusion about variant significance. To our knowledge, no occurrence of c.(7089+1_7090-1)_(*3595_?)dup in individuals affected with ATM-related conditions and no experimental evidence demonstrating its impact on protein function have been reported. No submitters have cited clinical-significance assessments for this variant to ClinVar. Based on the evidence outlined above, the variant was classified as uncertain significance.

NC_000011.9:g.(108198486_108199747)_(108239830_?)dup

Gene: ATM (ATM serine/threonine kinase; plus strand). Cytogenetic location: 11q22.3.
Variant type: Duplication.
Identifiers: ClinVar variation 4887102 (VCV004887102.1).